The following is an entry in ClinVar:

NM_001009944.3(PKD1):c.7761G>A (p.Trp2587Ter)

Gene: PKD1 (polycystin 1, transient receptor potential channel interacting; minus strand). Cytogenetic location: 16p13.3.
Variant type: single nucleotide variant.
Coding change: c.7761G>A on transcript NM_001009944.3 (MANE Select); coding-DNA position 7761, G replaced by A.
Protein change: p.Trp2587Ter; replaces tryptophan 2587 with a stop codon.
Molecular consequence: nonsense.
Genome position (GRCh38, 1-based): chr16:2,105,967, C>T on the plus strand (G>A on the coding strand, the complement: PKD1 is on the minus strand). VCF-style: chr16-2105967-C-T. GRCh37 (hg19) VCF-style: chr16-2155968-C-T.
Other names: c.7761G>A, p.Trp2587Ter (NM_000296.4); short protein forms W2587*.
Identifiers: ClinVar variation 3335876 (VCV003335876.2).
Genomic context (GRCh38, chr16:2,105,967, plus strand): 5'-GTGCTGGGGATCGGCCTGCCGCAGCAGCCCTGGGAGCACACTAGCGGTGAGCCCGTGCAG[C>T]CAGACTGTGAGCCCCGTTGCGCTGCCGTTGGGCTCTGGGAGGGTGATGGCCAAAGACCTA-3'

ClinVar aggregate classification (germline): Pathogenic (1 of 4 stars; one submission).

Conditions:
Polycystic kidney disease, adult type (PKD1). Also called: Polycystic Kidney, Autosomal Dominant; POLYCYSTIC KIDNEY DISEASE 1 WITH OR WITHOUT POLYCYSTIC LIVER DISEASE; POLYCYSTIC KIDNEY DISEASE, ADULT, TYPE I; Polycystic Kidney Disease 1, Autosomal Dominant; Polycystic kidney disease 1; Polycystic kidney disease 1, severe. Identifiers: MedGen C3149841, MONDO:0008263, OMIM 173900.

Submission:

Juno Genomics, Hangzhou Juno Genomics, Inc
Classification: Pathogenic for Polycystic kidney disease, adult type. Review status: criteria provided, single submitter. Criteria: ACMG Guidelines, 2015. Collection method: clinical testing. Allele origin: germline. Affected: yes.
Comment: Null variant in a gene where loss of function (LOF) is a known mechanism of disease.;Absent from controls (or at extremely low frequency if recessive) in Genome Aggregation Database, Exome Sequencing Project, 1000 Genomes Project, or Exome Aggregation Consortium.;The prevalence of the variant in affected individuals is significantly increased compared to the prevalence in controls.;Patient's phenotype or family history is highly specific for a disease with a single genetic etiology.